The following is an entry in ClinVar:

NM_144670.6(A2ML1):c.977A>G (p.Glu326Gly)

Gene: A2ML1 (alpha-2-macroglobulin like 1; plus strand). Cytogenetic location: 12p13.31.
Variant type: single nucleotide variant.
Coding change: c.977A>G on transcript NM_144670.6 (MANE Select); coding-DNA position 977, A replaced by G.
Protein change: p.Glu326Gly; replaces glutamic acid 326 with glycine.
Molecular consequence: missense variant.
Genome position (GRCh38, 1-based): chr12:8,839,119, A>G. VCF-style: chr12-8839119-A-G. GRCh37 (hg19) VCF-style: chr12-8991715-A-G.
Other names: c.977A>G (NM_144670.3); short protein forms E326G.
Identifiers: ClinVar variation 2152488 (VCV002152488.5), dbSNP rs2539212859, ClinGen allele CA383823536.
Genomic context (GRCh38, chr12:8,839,119, plus strand): 5'-GAAGATGAGAATATCAGGTGCCTAGATCTTTATACATCTGGTTTCCCTCTGCAGGTGTGG[A>G]GGCCAATGCCACTCAGAATATCTACATTTCTCCACAAATGGGATCAATGACCTTTGAAGA-3'
Protein context (NP_653271.3, residues 316-336): ATVVEEGTGV[Glu326Gly]ANATQNIYIS

ClinVar aggregate classification (germline): Uncertain significance. Review status: criteria provided, multiple submitters, no conflicts (2 of 4 stars). 2 submissions from 2 submitters: Uncertain significance (2). Last evaluated 2024-10-28.

Allele frequency attached by ClinVar (database versions not stated): gnomAD exomes below 0.00001.
gnomAD v4.1: 1 of 1,611,088 alleles (0.000062%); highest among the groups gnomAD compares: Non-Finnish European, 0.000085%; no homozygotes.

Submissions (2):

Labcorp Genetics (formerly Invitae), Labcorp
Classification: Uncertain significance. Last evaluated: 2024-10-28. Review status: criteria provided, single submitter. Criteria: Invitae Variant Classification Sherloc (09022015). Collection method: clinical testing. Allele origin: germline.
Comment: This sequence change replaces glutamic acid, which is acidic and polar, with glycine, which is neutral and non-polar, at codon 326 of the A2ML1 protein (p.Glu326Gly). This variant is not present in population databases (gnomAD no frequency). This variant has not been reported in the literature in individuals affected with A2ML1-related conditions. ClinVar contains an entry for this variant (Variation ID: 2152488). An algorithm developed to predict the effect of missense changes on protein structure and function (PolyPhen-2) suggests that this variant is likely to be tolerated. In summary, the available evidence is currently insufficient to determine the role of this variant in disease. Therefore, it has been classified as a Variant of Uncertain Significance.

Ambry Genetics
Classification: Uncertain significance. Last evaluated: 2023-10-05. Review status: criteria provided, single submitter. Criteria: Ambry Variant Classification Scheme 2023. Collection method: clinical testing. Allele origin: germline.
Comment: The p.E326G variant (also known as c.977A>G), located in coding exon 10 of the A2ML1 gene, results from an A to G substitution at nucleotide position 977. The glutamic acid at codon 326 is replaced by glycine, an amino acid with similar properties. This amino acid position is conserved. In addition, this alteration is predicted to be tolerated by in silico analysis. Since supporting evidence is limited at this time, the clinical significance of this alteration remains unclear.